The following is an entry in ClinVar:

ClinVar aggregate classification (germline): Uncertain significance (1 of 4 stars; one submission).

Conditions:
Inborn genetic diseases. Identifiers: MedGen C0950123, MeSH D030342.

Submission:

Ambry Genetics
Classification: Uncertain significance for Inborn genetic diseases. Last evaluated: 2025-04-03. Review status: criteria provided, single submitter. Criteria: Ambry Variant Classification Scheme 2023. Collection method: clinical testing. Allele origin: germline.
Comment: The p.A462V variant (also known as c.1385C>T), located in coding exon 8 of the MECOM gene, results from a C to T substitution at nucleotide position 1385. The alanine at codon 462 is replaced by valine, an amino acid with similar properties. This amino acid position is conserved. In addition, this alteration is predicted to be tolerated by in silico analysis. Based on the available evidence, the clinical significance of this variant remains unclear.

NM_004991.4(MECOM):c.1385C>T (p.Ala462Val)

Gene: MECOM (MDS1 and EVI1 complex locus; minus strand). Cytogenetic location: 3q26.2.
Variant type: single nucleotide variant.
Coding change: c.1385C>T on transcript NM_004991.4 (MANE Select); coding-DNA position 1385, C replaced by T.
Protein change: p.Ala462Val; replaces alanine 462 with valine.
Molecular consequence: missense variant. On other transcripts: intron variant (2).
Genome position (GRCh38, 1-based): chr3:169,116,487, G>A on the plus strand (C>T on the coding strand, the complement: MECOM is on the minus strand). VCF-style: chr3-169116487-G-A. GRCh37 (hg19) VCF-style: chr3-168834275-G-A.
Other names: c.1016C>T, p.Ala339Val (NM_001105077.4); c.821C>T, p.Ala274Val (NM_001105078.4, NM_001164000.2, NM_001205194.2 and 4 more transcripts); c.824C>T, p.Ala275Val (NM_001163999.2, NM_001366467.2, NM_001366468.2 and 1 more transcripts); c.1385C>T, p.Ala462Val (NM_001366466.2); c.1133-720C>T (NM_001366473.2); c.569-720C>T (NM_001366474.2); short protein forms A274V, A275V, A339V, A462V.
Identifiers: ClinVar variation 4053140 (VCV004053140.1).